The following is an entry in ClinVar:

NM_007055.4(POLR3A):c.3905G>T (p.Gly1302Val)

Gene: POLR3A (RNA polymerase III subunit A; minus strand). Cytogenetic location: 10q22.3.
Variant type: single nucleotide variant.
Coding change: c.3905G>T on transcript NM_007055.4 (MANE Select); coding-DNA position 3905, G replaced by T.
Protein change: p.Gly1302Val; replaces glycine 1302 with valine.
Molecular consequence: missense variant.
Genome position (GRCh38, 1-based): chr10:77,980,260, C>A on the plus strand (G>T on the coding strand, the complement: POLR3A is on the minus strand). VCF-style: chr10-77980260-C-A. GRCh37 (hg19) VCF-style: chr10-79740018-C-A.
Other names: short protein forms G1302V.
Identifiers: ClinVar variation 973290 (VCV000973290.4), dbSNP rs1196891209, ClinGen allele CA377326189.

ClinVar aggregate classification (germline): Likely pathogenic (1 of 4 stars; one submission).

Conditions:
POLR3A-related neurological disorders.

Allele frequency attached by ClinVar (database versions not stated): gnomAD 0.00001; TOPMed 0.00001 and below 0.00001.
gnomAD v4.1: 1 of 1,613,880 alleles (0.000062%); highest among the groups gnomAD compares: Non-Finnish European, 0.000085%; no homozygotes.

Submission:

Illumina Laboratory Services, Illumina
Classification: Likely pathogenic for POLR3A-related neurological disorders. Last evaluated: 2020-03-02. Review status: criteria provided, single submitter. Criteria: ICSLVariantClassificationCriteria RUGD 01 April 2020. Collection method: clinical testing. Allele origin: unknown.
Comment: The POLR3A c.3905G>T (p.Gly1302Val) variant is a missense variant. A literature search was performed for the gene, cDNA change, and amino acid change. No publications were found based on this search. This variant is not found in the Genome Aggregation Database in a region of good sequence coverage, so the variant is presumed to be rare. Based on application of ACMG criteria including the finding of this variant in trans with a pathogenic variant and its absence from population frequency databases, the p.Gly1302Val variant is classified as likely pathogenic for POLR3A-related neurological disorders.